The following is an entry in ClinVar:

ClinVar aggregate classification (germline): Uncertain significance. Review status: reviewed by expert panel (3 of 4 stars). 4 submissions from 4 submitters: Uncertain significance (1). 3 of the submissions do not count toward it. Last evaluated 2024-08-27.

Conditions:
RYR1-related myopathy. Identifiers: Orphanet 98742, MedGen CN305348, MONDO:0100150.
RYR1-related disorder. Also called: RYR1-related disorders; RYR1-related condition. Identifiers: MedGen CN239331.

Allele frequency attached by ClinVar (database versions not stated): gnomAD exomes below 0.00001; ExAC 0.00001.
gnomAD v4.1: 3 of 1,613,966 alleles (0.00019%); highest among the groups gnomAD compares: African/African-American, 0.0013%; no homozygotes.

Submissions (4):

ClinGen Congenital Myopathies Variant Curation Expert Panel, ClinGen
Classification: Uncertain significance for RYR1-related myopathy. Last evaluated: 2024-08-27. Review status: reviewed by expert panel. Criteria: ClinGen CongenMyopathy ACMG Specifications RYR1 AD V2.0.0. Collection method: curation. Allele origin: germline. Inheritance: Autosomal dominant inheritance.
Comment: The variant NM_000540.3:c.14815G>A in RYR1 is a missense variant predicted to cause substitution of aspartic acid by asparagine at amino acid 4939 (p.Asp4939Asn). The highest population minor allele frequency in gnomAD v4.1 is 0.00001562 (1/64012 alleles) for the European) non-Finnish population, meeting PM2_Supporting. The REVEL computational prediction analysis tool produced a score of 0.811, which is above the threshold necessary to apply PP3. Since this variant has not been noted in any probands, the mode of inheritance is unknown. In summary, this variant meets the criteria to be classified as uncertain significance for AD/AR RYR1-related myopathy based on the ACMG/AMP criteria applied, as specified by the ClinGen Congenital Myopathies VCEP: PP3, PM2_Supporting. (Congenital Myopathies VCEP specifications version 2; 8/27/2024).

Labcorp Genetics (formerly Invitae), Labcorp
Classification: Uncertain significance for RYR1-related disorder. Last evaluated: 2023-04-07. Review status: criteria provided, single submitter. Criteria: Invitae Variant Classification Sherloc (09022015). Collection method: clinical testing. Allele origin: germline. Not counted in ClinVar's aggregate classification.
Comment: In summary, the available evidence is currently insufficient to determine the role of this variant in disease. Therefore, it has been classified as a Variant of Uncertain Significance. Advanced modeling of protein sequence and biophysical properties (such as structural, functional, and spatial information, amino acid conservation, physicochemical variation, residue mobility, and thermodynamic stability) performed at Invitae indicates that this missense variant is expected to disrupt RYR1 protein function. ClinVar contains an entry for this variant (Variation ID: 201153). This variant has not been reported in the literature in individuals affected with RYR1-related conditions. This variant is present in population databases (rs760010175, gnomAD 0.007%). This sequence change replaces aspartic acid, which is acidic and polar, with asparagine, which is neutral and polar, at codon 4939 of the RYR1 protein (p.Asp4939Asn).

GeneDx
Classification: Likely pathogenic. Last evaluated: 2022-04-11. Review status: criteria provided, single submitter. Criteria: GeneDx Variant Classification Process June 2021. Collection method: clinical testing. Allele origin: germline. Affected: yes. Not counted in ClinVar's aggregate classification.
Comment: In silico analysis supports that this missense variant has a deleterious effect on protein structure/function; Has not been previously published as pathogenic or benign to our knowledge; Not observed at significant frequency in large population cohorts (gnomAD)

PreventionGenetics, part of Exact Sciences
Classification: Likely pathogenic. Last evaluated: 2016-06-08. Review status: criteria provided, single submitter. Criteria: ACMG Guidelines, 2015. Collection method: clinical testing. Allele origin: germline. Not counted in ClinVar's aggregate classification.

NM_000540.3(RYR1):c.14815G>A (p.Asp4939Asn)

Gene: RYR1 (ryanodine receptor 1; plus strand). Cytogenetic location: 19q13.2.
Variant type: single nucleotide variant.
Coding change: c.14815G>A on transcript NM_000540.3 (MANE Select); coding-DNA position 14815, G replaced by A.
Protein change: p.Asp4939Asn; replaces aspartic acid 4939 with asparagine.
Molecular consequence: missense variant.
Genome position (GRCh38, 1-based): chr19:38,585,949, G>A. VCF-style: chr19-38585949-G-A. GRCh37 (hg19) VCF-style: chr19-39076589-G-A.
Other names: p.D4939N:GAC>AAC; NM_000540.3(RYR1):c.14815G>A; p.Asp4939Asn; c.14800G>A, p.Asp4934Asn (NM_001042723.2); short protein forms D4939N, D4934N.
Identifiers: ClinVar variation 201153 (VCV000201153.7), dbSNP rs760010175, ClinGen allele CA024262.